The following is an entry in ClinVar:

ClinVar aggregate classification (germline): Uncertain significance (1 of 4 stars; one submission).

Conditions:
Long QT syndrome (LQTS). Identifiers: MedGen C0023976, MeSH D008133, MONDO:0002442. Disease mechanism: loss of function. Inheritance: Various modes of inheritance.

Submission:

Labcorp Genetics (formerly Invitae), Labcorp
Classification: Uncertain significance for Long QT syndrome. Last evaluated: 2022-03-25. Review status: criteria provided, single submitter. Criteria: Invitae Variant Classification Sherloc (09022015). Collection method: clinical testing. Allele origin: germline.
Comment: Variants that disrupt the consensus splice site are a relatively common cause of aberrant splicing (PMID: 17576681, 9536098). Algorithms developed to predict the effect of sequence changes on RNA splicing suggest that this variant may disrupt the consensus splice site. This variant has not been reported in the literature in individuals affected with AKAP9-related conditions. This variant is present in population databases (rs781603656, gnomAD 0.003%). This sequence change falls in intron 24 of the AKAP9 gene. It does not directly change the encoded amino acid sequence of the AKAP9 protein. It affects a nucleotide within the consensus splice site. In summary, the available evidence is currently insufficient to determine the role of this variant in disease. Therefore, it has been classified as a Variant of Uncertain Significance.

Literature cited by the submitters: PubMed 17576681; PubMed 9536098.

NM_005751.5(AKAP9):c.5977+4_5977+7del

Gene: AKAP9 (A-kinase anchoring protein 9; plus strand). Cytogenetic location: 7q21.2.
Variant type: Deletion.
Coding change: c.5977+4_5977+7del on transcript NM_005751.5 (MANE Select); bases 4 to 7 of the intron after coding-DNA position 5977, 4 bases deleted (AGTA; older notation c.5977+4_5977+7delAGTA).
Molecular consequence: splice donor variant.
Genome position (GRCh38, 1-based): chr7:92,062,490-92,062,493, AGTA deleted; deleting any 4 consecutive bases within chr7:92,062,487-92,062,493 gives the same sequence; the c. name uses the placement nearest the transcript's 3' end. VCF-style (leftmost placement, unchanged base first): chr7-92062486-CGTAA-C. GRCh37 (hg19) VCF-style: chr7-91691800-CGTAA-C.
Other names: c.5977+4_5977+7del (NM_147185.3); c.622+4_622+7del (NM_001379277.1).
Identifiers: ClinVar variation 2062392 (VCV002062392.4), dbSNP rs781603656, ClinGen allele CA4336959.
Genomic context (GRCh38, chr7:92,062,486, plus strand): 5'-AGAGAATTACTGTCCAGACAAAAGGAAGCTATGAAAGCAGAGGCAGGCCCAGTTGAACAA[CGTAA>C]GTATTTTCAGAATTTGTATGAAACAGTCCTCTGATTTTATTTGTATTCTTCAAAGGCTTA-3'